The following is an entry in ClinVar:

NM_024675.4(PALB2):c.3537_3547delinsAATGTAG (p.Asn1179_Tyr1183delinsLysMetTer)

Gene: PALB2 (partner and localizer of BRCA2; minus strand). Cytogenetic location: 16p12.2.
Variant type: Indel.
Coding change: c.3537_3547delinsAATGTAG on transcript NM_024675.4 (MANE Select); coding-DNA positions 3537 to 3547, TATATTTGTAT replaced by AATGTAG.
Protein change: p.Asn1179_Tyr1183delinsLysMetTer.
Molecular consequence: nonsense.
Genome position (GRCh38, 1-based): chr16:23,603,473-23,603,483, ATACAAATATA replaced by CTACATT on the plus strand (TATATTTGTAT replaced by AATGTAG on the coding strand, the reverse complement: PALB2 is on the minus strand). VCF-style: chr16-23603473-ATACAAATATA-CTACATT. GRCh37 (hg19) VCF-style: chr16-23614794-ATACAAATATA-CTACATT.
Identifiers: ClinVar variation 2673873 (VCV002673873.4), dbSNP rs2506195060, ClinGen allele CA2695197570.

ClinVar aggregate classification (germline): Pathogenic. Review status: criteria provided, multiple submitters, no conflicts (2 of 4 stars). 2 submissions from 2 submitters: Pathogenic (2). Last evaluated 2024-11-27.

Conditions:
Familial cancer of breast. Also called: Hereditary breast cancer; BREAST CANCER, FAMILIAL; hereditary breast carcinoma. Identifiers: Orphanet 227535, MedGen C0346153, MONDO:0016419, OMIM 114480. Disease mechanism: loss of function.

Submissions (2):

Labcorp Genetics (formerly Invitae), Labcorp
Classification: Pathogenic for Familial cancer of breast. Last evaluated: 2024-11-27. Review status: criteria provided, single submitter. Criteria: Invitae Variant Classification Sherloc (09022015). Collection method: clinical testing. Allele origin: germline.
Comment: This sequence change creates a premature translational stop signal (p.Asn1179Lysfs*3) in the PALB2 gene. While this is not anticipated to result in nonsense mediated decay, it is expected to disrupt the last 8 amino acid(s) of the PALB2 protein. This variant is not present in population databases (gnomAD no frequency). This variant has not been reported in the literature in individuals affected with PALB2-related conditions. ClinVar contains an entry for this variant (Variation ID: 2673907). This variant disrupts the WD40-like repeats of the PALB2 protein, which are required for interactions with the BRCA2, POLH, and RAD51C proteins (PMID: 24141787, 24485656). While functional studies have not been performed to directly test the effect of this variant on PALB2 protein function, this suggests that disruption of this region of the protein is causative of disease. This variant disrupts a region of the PALB2 protein in which other variant(s) (p.Tyr1183*) have been determined to be pathogenic (PMID: 17200671, 19609323, 21365267, 26296701, 26315354). This suggests that this is a clinically significant region of the protein, and that variants that disrupt it are likely to be disease-causing. For these reasons, this variant has been classified as Pathogenic.

Myriad Genetics, Inc.
Classification: Pathogenic for Familial cancer of breast. Last evaluated: 2023-09-15. Review status: criteria provided, single submitter. Criteria: Myriad Autosomal Dominant, Autosomal Recessive and X-Linked Classification Criteria (2023). Collection method: clinical testing. Allele origin: unknown.
Comment: This variant is considered pathogenic. This variant creates a frameshift predicted to result in premature protein truncation.

Literature cited by the submitters: PubMed 24141787 (cited by Labcorp Genetics (formerly Invitae), Labcorp); PubMed 24485656 (cited by Labcorp Genetics (formerly Invitae), Labcorp); PubMed 17200671 (cited by Labcorp Genetics (formerly Invitae), Labcorp); PubMed 19609323 (cited by Labcorp Genetics (formerly Invitae), Labcorp); PubMed 21365267 (cited by Labcorp Genetics (formerly Invitae), Labcorp); PubMed 26296701 (cited by Labcorp Genetics (formerly Invitae), Labcorp); PubMed 26315354 (cited by Labcorp Genetics (formerly Invitae), Labcorp).